The following is an entry in ClinVar:

NM_024642.5(GALNT12):c.256_282del (p.Leu86_Gln94del)

Gene: GALNT12 (polypeptide N-acetylgalactosaminyltransferase 12; plus strand). Cytogenetic location: 9q22.33.
Variant type: Deletion.
Coding change: c.256_282del on transcript NM_024642.5 (MANE Select); coding-DNA positions 256 to 282, 27 bases deleted (CTGCAGGGCGAGGAGCTGCGGCTGCAG).
Protein change: p.Leu86_Gln94del.
Molecular consequence: inframe deletion.
Genome position (GRCh38, 1-based): chr9:98,807,954-98,807,980, CTGCAGGGCGAGGAGCTGCGGCTGCAG deleted; deleting any 27 consecutive bases within chr9:98,807,943-98,807,980 gives the same sequence; the c. name uses the placement nearest the transcript's 3' end. VCF-style (leftmost placement, unchanged base first): chr9-98807942-GTGCGGCTGCAGCTGCAGGGCGAGGAGC-G. GRCh37 (hg19) VCF-style: chr9-101570224-GTGCGGCTGCAGCTGCAGGGCGAGGAGC-G.
Identifiers: ClinVar variation 821479 (VCV000821479.4), dbSNP rs1588436292, ClinGen allele CA915947114.

ClinVar aggregate classification (germline): Uncertain significance (1 of 4 stars; one submission).

Submission:

Ambry Genetics
Classification: Uncertain significance. Last evaluated: 2022-09-19. Review status: criteria provided, single submitter. Criteria: Ambry Variant Classification Scheme 2023. Collection method: clinical testing. Allele origin: germline.
Comment: The c.256_282del27 variant (also known as p.L86_Q94del) is located in coding exon 1 of the GALNT12 gene. This variant results from an in-frame deletion of 27 nucleotides at positions 256 to 282. This results in the deletion of 9 amino acids between codons 86 and 94. In addition, this alteration is predicted to be deleterious by in silico analysis (Choi Y et al. PLoS ONE. 2012; 7(10):e46688). The evidence for this gene-disease relationship is limited; therefore, the clinical significance of this alteration is unclear.